The following is an entry in ClinVar:

ClinVar aggregate classification (germline): Uncertain significance (1 of 4 stars; one submission).

Conditions:
Atrial fibrillation, familial, 7 (ATFB7). Identifiers: MedGen C2677106, MONDO:0012828, OMIM 612240.

Submission:

Labcorp Genetics (formerly Invitae), Labcorp
Classification: Uncertain significance for Atrial fibrillation, familial, 7. Last evaluated: 2022-10-10. Review status: criteria provided, single submitter. Criteria: Invitae Variant Classification Sherloc (09022015). Collection method: clinical testing. Allele origin: germline.
Comment: This variant is not present in population databases (gnomAD no frequency). In summary, the available evidence is currently insufficient to determine the role of this variant in disease. Therefore, it has been classified as a Variant of Uncertain Significance. Advanced modeling of protein sequence and biophysical properties (such as structural, functional, and spatial information, amino acid conservation, physicochemical variation, residue mobility, and thermodynamic stability) performed at Invitae indicates that this missense variant is expected to disrupt KCNA5 protein function. This variant has not been reported in the literature in individuals affected with KCNA5-related conditions. This sequence change replaces leucine, which is neutral and non-polar, with proline, which is neutral and non-polar, at codon 437 of the KCNA5 protein (p.Leu437Pro).

NM_002234.4(KCNA5):c.1310T>C (p.Leu437Pro)

Gene: KCNA5 (potassium voltage-gated channel subfamily A member 5; plus strand). Cytogenetic location: 12p13.32.
Variant type: single nucleotide variant.
Coding change: c.1310T>C on transcript NM_002234.4 (MANE Select); coding-DNA position 1310, T replaced by C.
Protein change: p.Leu437Pro; replaces leucine 437 with proline.
Molecular consequence: missense variant.
Genome position (GRCh38, 1-based): chr12:5,045,457, T>C. VCF-style: chr12-5045457-T-C. GRCh37 (hg19) VCF-style: chr12-5154623-T-C.
Other names: short protein forms L437P.
Identifiers: ClinVar variation 1721379 (VCV001721379.5), dbSNP rs2497480446, ClinGen allele CA383466207.